The following is an entry in ClinVar:

NM_000036.3(AMPD1):c.186G>T (p.Glu62Asp)

Gene: AMPD1 (adenosine monophosphate deaminase 1; minus strand). Cytogenetic location: 1p13.2.
Variant type: single nucleotide variant.
Coding change: c.186G>T on transcript NM_000036.3 (MANE Select); coding-DNA position 186, G replaced by T.
Protein change: p.Glu62Asp; replaces glutamic acid 62 with aspartic acid.
Molecular consequence: missense variant.
Genome position (GRCh38, 1-based): chr1:114,688,590, C>A on the plus strand (G>T on the coding strand, the complement: AMPD1 is on the minus strand). VCF-style: chr1-114688590-C-A. GRCh37 (hg19) VCF-style: chr1-115231211-C-A.
Other names: c.174G>T, p.Glu58Asp (NM_001172626.2); short protein forms E58D, E62D.
Identifiers: ClinVar variation 1509442 (VCV001509442.8), dbSNP rs1017107552, ClinGen allele CA341733760.

ClinVar aggregate classification (germline): Uncertain significance (1 of 4 stars; one submission).

Conditions:
Muscle AMP deaminase deficiency (MMDD). Also called: Myoadenylate deaminase deficiency, myopathy due to; Adenosine monophosphate deaminase 1 deficiency; AMP deaminase 1 deficiency; Adenosine Monophosphate Deaminase 1; AMPD1 DEFICIENCY; ADENOSINE MONOPHOSPHATE DEAMINASE-1 DEFICIENCY, MYOPATHY DUE TO. Identifiers: Orphanet 45, MedGen C3714933, MONDO:0014220, OMIM 615511.

Submission:

Labcorp Genetics (formerly Invitae), Labcorp
Classification: Uncertain significance for Muscle AMP deaminase deficiency. Last evaluated: 2022-06-14. Review status: criteria provided, single submitter. Criteria: Invitae Variant Classification Sherloc (09022015). Collection method: clinical testing. Allele origin: germline.
Comment: In summary, the available evidence is currently insufficient to determine the role of this variant in disease. Therefore, it has been classified as a Variant of Uncertain Significance. Algorithms developed to predict the effect of missense changes on protein structure and function output the following: SIFT: "Tolerated"; PolyPhen-2: "Benign"; Align-GVGD: "Class C0". The aspartic acid amino acid residue is found in multiple mammalian species, which suggests that this missense change does not adversely affect protein function. This variant has not been reported in the literature in individuals affected with AMPD1-related conditions. This variant is not present in population databases (gnomAD no frequency). This sequence change replaces glutamic acid, which is acidic and polar, with aspartic acid, which is acidic and polar, at codon 95 of the AMPD1 protein (p.Glu95Asp).